The following is an entry in ClinVar:

ClinVar aggregate classification (germline): Uncertain significance (1 of 4 stars; one submission).

Conditions:
Hypogonadotropic hypogonadism 14 with or without anosmia (HH14). Also called: HYPOGONADOTROPIC HYPOGONADISM 14 WITHOUT ANOSMIA. Identifiers: Orphanet 478, MedGen C3540450, MONDO:0013926, OMIM 614858.

Submission:

OLLIN Analises Genomicas, OLLIN
Classification: Uncertain significance for Hypogonadotropic hypogonadism 14 with or without anosmia. Last evaluated: 2026-08-06. Review status: criteria provided, single submitter. Criteria: ACMG Guidelines 2015 PMID 25741868. Collection method: clinical testing. Allele origin: germline. Inheritance: Autosomal dominant inheritance.
Comment: This missense variant, located in exon 27 (of 29), is absent from gnomAD and ClinVar and has not been identified in the literature. In silico analysis predicts that this variant has a deleterious effect. According to the currently available evidence, this variant has been classified as uncertain significance (PM2_P, PP3_S).

NM_018117.12(WDR11):c.3431T>A (p.Leu1144His)

Gene: WDR11 (WD repeat domain 11; plus strand). Cytogenetic location: 10q26.12.
Variant type: single nucleotide variant.
Coding change: c.3431T>A on transcript NM_018117.12 (MANE Select); coding-DNA position 3431, T replaced by A.
Protein change: p.Leu1144His; replaces leucine 1144 with histidine.
Molecular consequence: missense variant.
Genome position (GRCh38, 1-based): chr10:120,906,015, T>A. VCF-style: chr10-120906015-T-A. GRCh37 (hg19) VCF-style: chr10-122665527-T-A.
Other names: short protein forms L1144H.
Identifiers: ClinVar variation 5002864 (VCV005002864.1).